The following is an entry in ClinVar:

NM_001040108.2(MLH3):c.162G>A (p.Val54=)

Gene: MLH3 (mutL homolog 3; minus strand). Cytogenetic location: 14q24.3.
Variant type: single nucleotide variant.
Coding change: c.162G>A on transcript NM_001040108.2 (MANE Select); coding-DNA position 162, G replaced by A.
Protein change: p.Val54=; no amino-acid change (valine 54 retained).
Molecular consequence: synonymous variant.
Genome position (GRCh38, 1-based): chr14:75,049,494, C>T on the plus strand (G>A on the coding strand, the complement: MLH3 is on the minus strand). VCF-style: chr14-75049494-C-T. GRCh37 (hg19) VCF-style: chr14-75516197-C-T.
Other names: c.162G>A, p.Val54= (NM_014381.3).
Identifiers: ClinVar variation 416456 (VCV000416456.15), dbSNP rs757926156, ClinGen allele CA7276085.
Genomic context (GRCh38, chr14:75,049,494, plus strand): 5'-GAAATAACGATTTCCCACTTTCTCTACATCATCACTCCCCATCCCAAATCCATTGTCTAT[C>T]ACTTGAACTTGGAAGGTTTCCATATTCACCCTGACAGCCACACATTTTGCTTCAGCATCA-3'
Protein context (NP_001035197.1, residues 44-64): RVNMETFQVQ[Val54=]IDNGFGMGSD

ClinVar aggregate classification (germline): Benign/Likely benign. Review status: criteria provided, multiple submitters, no conflicts (2 of 4 stars). 3 submissions from 3 submitters: Benign (1); Likely benign (2). Last evaluated 2026-04-28.

Conditions:
Colorectal cancer, hereditary nonpolyposis, type 7. Identifiers: Orphanet 144, MedGen C1858380, MONDO:0013725, OMIM 614385.

Allele frequency attached by ClinVar (database versions not stated): TOPMed 0.00001; gnomAD exomes 0.00002; ExAC 0.00003; gnomAD 0.00005.
gnomAD v4.1: 19 of 1,614,090 alleles (0.0012%); highest among the groups gnomAD compares: Non-Finnish European, 0.00085%; no homozygotes.

Submissions (3):

Myriad Genetics, Inc.
Classification: Benign for Colorectal cancer, hereditary nonpolyposis, type 7. Last evaluated: 2026-04-28. Review status: criteria provided, single submitter. Criteria: Myriad Autosomal Dominant, Autosomal Recessive and X-Linked Classification Criteria (2023). Collection method: clinical testing. Allele origin: unknown.
Comment: This variant is considered benign. This variant is a silent/synonymous amino acid change and it is not expected to impact splicing.

Labcorp Genetics (formerly Invitae), Labcorp
Classification: Likely benign for Colorectal cancer, hereditary nonpolyposis, type 7. Last evaluated: 2025-10-05. Review status: criteria provided, single submitter. Criteria: Invitae Variant Classification Sherloc (09022015). Collection method: clinical testing. Allele origin: germline.

Ambry Genetics
Classification: Likely benign. Last evaluated: 2019-09-28. Review status: criteria provided, single submitter. Criteria: Ambry Variant Classification Scheme 2023. Collection method: clinical testing. Allele origin: germline.